The following is an entry in ClinVar:

ClinVar aggregate classification (germline): Benign/Likely benign. Review status: criteria provided, multiple submitters, no conflicts (2 of 4 stars). 10 submissions from 10 submitters: Benign (2); Likely benign (4). 4 of the submissions do not count toward it. Last evaluated 2026-02-04.

Conditions:
Arrhythmogenic right ventricular dysplasia 13. Also called: ARRHYTHMOGENIC RIGHT VENTRICULAR CARDIOMYOPATHY 13; Arrhythmogenic right ventricular dysplasia, familial, 13. Identifiers: MedGen C3810138, MONDO:0000908, OMIM 615616.

Allele frequency attached by ClinVar (database versions not stated): 1000 Genomes Project 0.00499; 1000 Genomes Project 30x 0.00547; TOPMed 0.01000; gnomAD 0.01026 and 0.01060; gnomAD exomes 0.01146; ESP Exome Variant Server 0.01153; ExAC 0.01183.
gnomAD v4.1: 19,911 of 1,614,046 alleles (1.2%); highest among the groups gnomAD compares: Middle Eastern, 1.8%; 205 homozygotes.

Submissions (10):

Labcorp Genetics (formerly Invitae), Labcorp
Classification: Benign for Arrhythmogenic right ventricular dysplasia 13. Last evaluated: 2026-02-04. Review status: criteria provided, single submitter. Criteria: Invitae Variant Classification Sherloc (09022015). Collection method: clinical testing. Allele origin: germline.

CeGaT Center for Human Genetics Tuebingen
Classification: Benign. Last evaluated: 2026-01-01. Review status: criteria provided, single submitter. Criteria: CeGaT Center For Human Genetics Tuebingen Variant Classification Criteria Version 2. Collection method: clinical testing. Allele origin: germline. Affected: yes. Observed: 21 variant alleles.
Comment: CTNNA3: BS1, BS2

Blueprint Genetics
Classification: Likely benign. Last evaluated: 2024-11-27. Review status: criteria provided, single submitter. Criteria: ACMG Guidelines, 2015. Collection method: clinical testing. Allele origin: germline.

Women's Health and Genetics/Laboratory Corporation of America, LabCorp
Classification: Likely benign. Last evaluated: 2023-10-29. Review status: criteria provided, single submitter. Criteria: LabCorp Variant Classification Summary - May 2015. Collection method: clinical testing. Allele origin: germline.

GeneDx
Classification: Likely benign. Last evaluated: 2020-09-28. Review status: criteria provided, single submitter. Criteria: GeneDx Variant Classification Process June 2021. Collection method: clinical testing. Allele origin: germline. Affected: yes.
Comment: This variant is associated with the following publications: (PMID: 21254927, 33232181, 32880476)

Breakthrough Genomics
Classification: Likely benign. Review status: criteria provided, single submitter. Criteria: ACMG Guidelines, 2015. Collection method: not provided. Allele origin: germline. Inheritance: Autosomal dominant inheritance. Affected: yes.

Clinical Genetics DNA and cytogenetics Diagnostics Lab, Erasmus MC, Erasmus Medical Center
Classification: Benign. Review status: no assertion criteria provided. Collection method: clinical testing. Allele origin: germline. Affected: yes. Study: VKGL Data-share Consensus. Not counted in ClinVar's aggregate classification.

Clinical Genetics, Academic Medical Center
Classification: Benign. Review status: no assertion criteria provided. Collection method: clinical testing. Allele origin: germline. Affected: yes. Study: VKGL Data-share Consensus. Not counted in ClinVar's aggregate classification.

Genome Diagnostics Laboratory, University Medical Center Utrecht
Classification: Benign. Review status: no assertion criteria provided. Collection method: clinical testing. Allele origin: germline. Affected: yes. Study: VKGL Data-share Consensus. Not counted in ClinVar's aggregate classification.

Joint Genome Diagnostic Labs from Nijmegen and Maastricht, Radboudumc and MUMC+
Classification: Benign. Review status: no assertion criteria provided. Collection method: clinical testing. Allele origin: germline. Affected: yes. Study: VKGL Data-share Consensus. Not counted in ClinVar's aggregate classification.

NM_013266.4(CTNNA3):c.1603C>T (p.Arg535Cys)

Gene: CTNNA3 (catenin alpha 3; minus strand). Cytogenetic location: 10q21.3.
Variant type: single nucleotide variant.
Coding change: c.1603C>T on transcript NM_013266.4 (MANE Select); coding-DNA position 1603, C replaced by T.
Protein change: p.Arg535Cys; replaces arginine 535 with cysteine.
Molecular consequence: missense variant.
Genome position (GRCh38, 1-based): chr10:66,379,281, G>A on the plus strand (C>T on the coding strand, the complement: CTNNA3 is on the minus strand). VCF-style: chr10-66379281-G-A. GRCh37 (hg19) VCF-style: chr10-68139039-G-A.
Other names: c.1603C>T, p.Arg535Cys (NM_001127384.3); short protein forms R535C.
Identifiers: ClinVar variation 240864 (VCV000240864.41), dbSNP rs41274090, ClinGen allele CA5519886.